The following is an entry in ClinVar:

ClinVar aggregate classification (germline): Benign/Likely benign. Review status: criteria provided, multiple submitters, no conflicts (2 of 4 stars). 2 submissions from 2 submitters: Benign (1); Likely benign (1). Last evaluated 2025-02-09.

Conditions:
LAMA3-related disorder. Also called: LAMA3-related condition; LAMA3-related disorders.

Allele frequency attached by ClinVar (database versions not stated): gnomAD exomes 0.00012; ExAC 0.00046; 1000 Genomes Project 30x 0.00094; ESP Exome Variant Server 0.00111; gnomAD 0.00111; 1000 Genomes Project 0.00120; TOPMed 0.00122.
gnomAD v4.1: 352 of 1,609,752 alleles (0.022%); highest among the groups gnomAD compares: African/African-American, 0.38%; 1 homozygote.

Submissions (2):

PreventionGenetics, part of Exact Sciences
Classification: Likely benign for LAMA3-related condition. Last evaluated: 2025-02-09. Review status: criteria provided, single submitter. Criteria: ACMG Guidelines, 2015. Collection method: clinical testing. Allele origin: germline.
Comment: This variant is classified as likely benign based on ACMG/AMP sequence variant interpretation guidelines (Richards et al. 2015 PMID: 25741868, with internal and published modifications).

Labcorp Genetics (formerly Invitae), Labcorp
Classification: Benign. Last evaluated: 2022-08-23. Review status: criteria provided, single submitter. Criteria: Invitae Variant Classification Sherloc (09022015). Collection method: clinical testing. Allele origin: germline.

NM_198129.4(LAMA3):c.599G>A (p.Arg200Gln)

Gene: LAMA3 (laminin subunit alpha 3; plus strand). Cytogenetic location: 18q11.2.
Variant type: single nucleotide variant.
Coding change: c.599G>A on transcript NM_198129.4 (MANE Select); coding-DNA position 599, G replaced by A.
Protein change: p.Arg200Gln; replaces arginine 200 with glutamine.
Molecular consequence: missense variant. On other transcripts: non-coding transcript variant (1).
Genome position (GRCh38, 1-based): chr18:23,749,461, G>A. VCF-style: chr18-23749461-G-A. GRCh37 (hg19) VCF-style: chr18-21329425-G-A.
Other names: c.599G>A, p.Arg200Gln (NM_001127717.4, NM_001302996.2); c.599G>A (NM_198129.2); short protein forms R200Q.
Identifiers: ClinVar variation 2042886 (VCV002042886.5), dbSNP rs78284895, ClinGen allele CA8914298.